The following is an entry in ClinVar:

NM_000701.8(ATP1A1):c.464C>T (p.Ser155Leu)

Gene: ATP1A1 (ATPase Na+/K+ transporting subunit alpha 1; plus strand). Cytogenetic location: 1p13.1.
Variant type: single nucleotide variant.
Coding change: c.464C>T on transcript NM_000701.8 (MANE Select); coding-DNA position 464, C replaced by T.
Protein change: p.Ser155Leu; replaces serine 155 with leucine.
Molecular consequence: missense variant.
Genome position (GRCh38, 1-based): chr1:116,388,207, C>T. VCF-style: chr1-116388207-C-T. GRCh37 (hg19) VCF-style: chr1-116930829-C-T.
Other names: c.464C>T, p.Ser155Leu (NM_001160233.2); c.371C>T, p.Ser124Leu (NM_001160234.2); short protein forms S155L, S124L.
Identifiers: ClinVar variation 161540 (VCV000161540.2), dbSNP rs193920762, ClinGen allele CA174297.

ClinVar aggregate classification (germline): Uncertain significance (0 of 4 stars; one submission).

Conditions:
Prostate cancer. Also called: Malignant tumor of prostate. Identifiers: Orphanet 1331, MedGen C0376358, MONDO:0008315, HP:0012125.

Submission:

Science for Life laboratory,  Karolinska Institutet
Classification: Uncertain significance for Malignant tumor of prostate. Review status: no assertion criteria provided. Collection method: not provided. Allele origin: somatic.
Comment: TumorID:SWE-1
ClinVar note: Converted during submission from Unknown to Uncertain significance.